The following is an entry in ClinVar:

NM_005219.5(DIAPH1):c.1960C>T (p.Pro654Ser)

Gene: DIAPH1 (diaphanous related formin 1; minus strand). Cytogenetic location: 5q31.3.
Variant type: single nucleotide variant.
Coding change: c.1960C>T on transcript NM_005219.5 (MANE Select); coding-DNA position 1960, C replaced by T.
Protein change: p.Pro654Ser; replaces proline 654 with serine.
Molecular consequence: missense variant.
Genome position (GRCh38, 1-based): chr5:141,573,890, G>A on the plus strand (C>T on the coding strand, the complement: DIAPH1 is on the minus strand). VCF-style: chr5-141573890-G-A. GRCh37 (hg19) VCF-style: chr5-140953457-G-A.
Other names: c.1933C>T, p.Pro645Ser (NM_001079812.3); c.1960C>T, p.Pro654Ser (NM_001314007.2); short protein forms P645S, P654S.
Identifiers: ClinVar variation 1463449 (VCV001463449.9), dbSNP rs931286798, ClinGen allele CA128437185.

ClinVar aggregate classification (germline): Uncertain significance. Review status: criteria provided, multiple submitters, no conflicts (2 of 4 stars). 2 submissions from 2 submitters: Uncertain significance (2). Last evaluated 2025-05-22.

Conditions:
Autosomal dominant nonsyndromic hearing loss 1. Also called: DEAFNESS, AUTOSOMAL DOMINANT 1, WITH OR WITHOUT THROMBOCYTOPENIA; KONIGSMARK SYNDROME. Identifiers: Orphanet 90635, MedGen C1852282, MONDO:0007424, OMIM 124900.
Progressive microcephaly-seizures-cortical blindness-developmental delay syndrome. Also called: Seizures, cortical blindness, and microcephaly syndrome. Identifiers: Orphanet 477814, MedGen C5567650, MONDO:0014714, OMIM 616632.

Allele frequency attached by ClinVar (database versions not stated): gnomAD 0.00001; gnomAD exomes 0.00001; TOPMed 0.00002.
gnomAD v4.1: 11 of 1,546,340 alleles (0.00071%); highest among the groups gnomAD compares: Non-Finnish European, 0.00087%; no homozygotes.

Submissions (2):

Labcorp Genetics (formerly Invitae), Labcorp
Classification: Uncertain significance for Progressive microcephaly-seizures-cortical blindness-developmental delay syndrome; Autosomal dominant nonsyndromic hearing loss 1. Last evaluated: 2025-05-22. Review status: criteria provided, single submitter. Criteria: Invitae Variant Classification Sherloc (09022015). Collection method: clinical testing. Allele origin: germline.
Comment: This sequence change replaces proline, which is neutral and non-polar, with serine, which is neutral and polar, at codon 654 of the DIAPH1 protein (p.Pro654Ser). This variant is not present in population databases (gnomAD no frequency). This variant has not been reported in the literature in individuals affected with DIAPH1-related conditions. ClinVar contains an entry for this variant (Variation ID: 1463449). Experimental studies and prediction algorithms are not available or were not evaluated, and the functional significance of this variant is currently unknown. In summary, the available evidence is currently insufficient to determine the role of this variant in disease. Therefore, it has been classified as a Variant of Uncertain Significance.

Blueprint Genetics
Classification: Uncertain significance. Last evaluated: 2022-01-20. Review status: criteria provided, single submitter. Criteria: ACMG Guidelines, 2015. Collection method: clinical testing. Allele origin: germline.